The following is an entry in ClinVar:

NM_002181.4(IHH):c.409_417del (p.Gly137_His139del)

Gene: IHH (Indian hedgehog signaling molecule; minus strand). Cytogenetic location: 2q35.
Variant type: Deletion.
Coding change: c.409_417del on transcript NM_002181.4 (MANE Select); coding-DNA positions 409 to 417, 9 bases deleted (GGCCACCAC; older notation c.409_417delGGCCACCAC).
Protein change: p.Gly137_His139del.
Genome position (GRCh38, 1-based): chr2:219,057,593-219,057,601, GTGGTGGCC deleted on the plus strand (GGCCACCAC on the coding strand, the reverse complement: IHH is on the minus strand); deleting any 9 consecutive bases within chr2:219,057,593-219,057,603 gives the same sequence; the c. name uses the placement nearest the transcript's 3' end. VCF-style (leftmost placement, unchanged base first): chr2-219057592-AGTGGTGGCC-A. GRCh37 (hg19) VCF-style: chr2-219922314-AGTGGTGGCC-A.
Identifiers: ClinVar variation 3728755 (VCV003728755.2).
Genomic context (GRCh38, chr2:219,057,592, plus strand): 5'-GGTCGCGGTCTGATGTGGTGATGTCCACCGCGCGGCCCTCATAATGCAGGGACTCCTCTG[AGTGGTGGCC>A]GTCCTCGTCCCAGCCCTCGGTCACCCGCAGCTTCACACCGGGCCACTGGTTCATCACCGA-3'

ClinVar aggregate classification (germline): Uncertain significance (1 of 4 stars; one submission).

Submission:

Labcorp Genetics (formerly Invitae), Labcorp
Classification: Uncertain significance. Last evaluated: 2025-01-08. Review status: criteria provided, single submitter. Criteria: Invitae Variant Classification Sherloc (09022015). Collection method: clinical testing. Allele origin: germline.
Comment: This variant, c.409_417del, results in the deletion of 3 amino acid(s) of the IHH protein (p.Gly137_His139del), but otherwise preserves the integrity of the reading frame. This variant is not present in population databases (gnomAD no frequency). This variant has not been reported in the literature in individuals affected with IHH-related conditions. Experimental studies and prediction algorithms are not available or were not evaluated, and the functional significance of this variant is currently unknown. In summary, the available evidence is currently insufficient to determine the role of this variant in disease. Therefore, it has been classified as a Variant of Uncertain Significance.